The following is an entry in ClinVar:

NM_130384.3(ATRIP):c.1862C>G (p.Pro621Arg)

Genes: ATRIP (ATR interacting protein; plus strand), ATRIP-TREX1 (ATRIP-TREX1 readthrough; plus strand). Cytogenetic location: 3p21.31.
Variant type: single nucleotide variant.
Coding change: c.1862C>G on transcript NM_130384.3 (MANE Select); coding-DNA position 1862, C replaced by G.
Protein change: p.Pro621Arg; replaces proline 621 with arginine.
Molecular consequence: missense variant. On other transcripts: non-coding transcript variant (1).
Genome position (GRCh38, 1-based): chr3:48,463,861, C>G. VCF-style: chr3-48463861-C-G. GRCh37 (hg19) VCF-style: chr3-48505260-C-G.
Other names: c.1481C>G, p.Pro494Arg (NM_001271022.2); c.1583C>G, p.Pro528Arg (NM_001271023.2); c.1862C>G, p.Pro621Arg (NM_032166.4); short protein forms P528R, P621R, P494R.
Identifiers: ClinVar variation 3810004 (VCV003810004.1).

ClinVar aggregate classification (germline): Uncertain significance (1 of 4 stars; one submission).

gnomAD v4.1: 5 of 1,614,032 alleles (0.00031%); highest among the groups gnomAD compares: Non-Finnish European, 0.00042%; no homozygotes.

Submission:

Ambry Genetics
Classification: Uncertain significance. Last evaluated: 2025-01-18. Review status: criteria provided, single submitter. Criteria: Ambry Variant Classification Scheme 2023. Collection method: clinical testing. Allele origin: germline.
Comment: The p.P621R variant (also known as c.1862C>G), located in coding exon 9 of the ATRIP gene, results from a C to G substitution at nucleotide position 1862. The proline at codon 621 is replaced by arginine, an amino acid with dissimilar properties. This amino acid position is conserved. In addition, this alteration is predicted to be tolerated by in silico analysis. Based on the available evidence, the clinical significance of this variant remains unclear.